The following is an entry in ClinVar:

ClinVar aggregate classification (germline): Uncertain significance (1 of 4 stars; one submission).

Allele frequency attached by ClinVar (database versions not stated): gnomAD exomes below 0.00001 and 0.00001; ExAC 0.00001.
gnomAD v4.1: 1 of 1,613,826 alleles (0.000062%); no homozygotes.

Submission:

Labcorp Genetics (formerly Invitae), Labcorp
Classification: Uncertain significance. Last evaluated: 2022-06-20. Review status: criteria provided, single submitter. Criteria: Invitae Variant Classification Sherloc (09022015). Collection method: clinical testing. Allele origin: germline.
Comment: This sequence change replaces proline, which is neutral and non-polar, with arginine, which is basic and polar, at codon 155 of the MAK protein (p.Pro155Arg). This variant is present in population databases (rs760809915, gnomAD 0.02%). This variant has not been reported in the literature in individuals affected with MAK-related conditions. Advanced modeling of protein sequence and biophysical properties (such as structural, functional, and spatial information, amino acid conservation, physicochemical variation, residue mobility, and thermodynamic stability) performed at Invitae indicates that this missense variant is not expected to disrupt MAK protein function. In summary, the available evidence is currently insufficient to determine the role of this variant in disease. Therefore, it has been classified as a Variant of Uncertain Significance.

NM_001242957.3(MAK):c.464C>G (p.Pro155Arg)

Gene: MAK (male germ cell associated kinase; minus strand). Cytogenetic location: 6p24.2.
Variant type: single nucleotide variant.
Coding change: c.464C>G on transcript NM_001242957.3 (MANE Select); coding-DNA position 464, C replaced by G.
Protein change: p.Pro155Arg; replaces proline 155 with arginine.
Molecular consequence: missense variant. On other transcripts: non-coding transcript variant (2).
Genome position (GRCh38, 1-based): chr6:10,808,837, G>C on the plus strand (C>G on the coding strand, the complement: MAK is on the minus strand). VCF-style: chr6-10808837-G-C. GRCh37 (hg19) VCF-style: chr6-10809070-G-C.
Other names: c.464C>G, p.Pro155Arg (NM_001242385.2, NM_005906.6); c.362C>G, p.Pro121Arg (NM_001377262.1); short protein forms P121R, P155R.
Identifiers: ClinVar variation 1484116 (VCV001484116.5), dbSNP rs760809915, ClinGen allele CA3633716.
Genomic context (GRCh38, chr6:10,808,837, plus strand): 5'-ATGCCTCAGGAGGGCTGCATAACCCCTACTCACCATCTGGTAGATACATAATCAGTGTAT[G>C]GTGGCTGTGACCTTAATTCTCTTGCAAGTCCAAAATCAGCAATTTTCACAAGCTCTGGAC-3'
Protein context (NP_001229886.1, residues 145-165): GLARELRSQP[Pro155Arg]YTDYVSTRWY